The following is an entry in ClinVar:

ClinVar aggregate classification (germline): Likely pathogenic. Review status: criteria provided, multiple submitters, no conflicts (2 of 4 stars). 2 submissions from 2 submitters: Likely pathogenic (2). Last evaluated 2025-07-21.

Conditions:
Retinitis pigmentosa 1 (RP1). Identifiers: Orphanet 791, MedGen C0220701, MONDO:0008377, OMIM 180100.

Submissions (2):

3billion
Classification: Likely pathogenic for Retinitis pigmentosa 1. Last evaluated: 2025-07-21. Review status: criteria provided, single submitter. Criteria: ACMG Guidelines, 2015. Collection method: clinical testing. Allele origin: germline. Affected: yes.
Comment: The variant is observed at an extremely low frequency in the gnomAD v4.1.0 dataset (total allele frequency: <0.001%). Predicted Consequence/Location: Frameshift: predicted to result in a loss or disruption of normal protein function through protein truncation. Multiple pathogenic variants are reported in the predicted truncated region. The variant has been reported to be associated with RP1-related disorder (ClinVar ID: VCV002500818 /PMID: 19933189). Therefore, this variant is classified as Likely pathogenic according to the recommendation of ACMG/AMP guideline.

Pangenia Genomics, Pangenia Inc.
Classification: Likely pathogenic for Retinitis pigmentosa 1. Last evaluated: 2022-03-14. Review status: criteria provided, single submitter. Criteria: ACMG Guidelines, 2015. Collection method: research. Allele origin: unknown. Inheritance: Autosomal recessive inheritance. Affected: yes and no. Observed: 2 heterozygotes, 2 compound heterozygotes.
Comment: The RP1, c.4941dupT (p.Pro1648Serfs*13) variant is at extremely low frequency in population database; allele frequency in gnomAD v2.1.1 being 3.98x10-06. There is presence of co-segregation with disease in multiple affected family members. Frameshift in the last exon; it is expected to remove more than 10% of the RP1 protein, and there have been other pathogenic nonsense or frameshift variants reported in this region previously (p.Gln1725*, p.Gln1916*, p.R1933*, p.I2061Sfs*12) [PMID: 23940504, 30913292, 29425069, 30027431]. This variant is detected in trans with a Pathogenic variant [RP1, c.6_7delTG (p.Ser2Argfs*16)].

Literature cited by the submitters: PubMed 19933189 (cited by 3billion).

NM_006269.2(RP1):c.4941dup (p.Pro1648fs)

Genes: RP1 (RP1 axonemal microtubule associated; plus strand), LOC126860392 (CDK7 strongly-dependent group 2 enhancer GRCh37_chr8:55541319-55542518; plus strand). Cytogenetic location: 8q12.1.
Variant type: Duplication.
Coding change: c.4941dup on transcript NM_006269.2 (MANE Select); coding-DNA position 4941, one base duplicated (T; older notation c.4941dupT).
Protein change: p.Pro1648fs; shifts the reading frame from proline 1648.
Molecular consequence: frameshift variant. On other transcripts: intron variant (1).
Genome position (GRCh38, 1-based): chr8:54,628,823, T duplicated; the last of 7 consecutive T bases (chr8:54,628,817-54,628,823); duplicating any one gives the same sequence. VCF-style (leftmost placement, unchanged base first): chr8-54628816-C-CT. GRCh37 (hg19) VCF-style: chr8-55541376-C-CT.
Other names: c.4941dupT (NM_006269.2); c.787+6535dup (NM_001375654.1); short protein forms P1648fs.
Identifiers: ClinVar variation 2500818 (VCV002500818.2), dbSNP rs765725238, ClinGen allele CA4751973.